The following is an entry in ClinVar:

ClinVar aggregate classification (germline): Uncertain significance (1 of 4 stars; one submission).

Conditions:
Hereditary spastic paraplegia 30. Identifiers: Orphanet 101010, MedGen C5235139, MONDO:0012476.
Neuropathy, hereditary sensory, type 2C. Also called: Hereditary sensory and autonomic neuropathy type IIC; KIF1A-Related HSAN2 (HSAN2C). Identifiers: Orphanet 970, MedGen C3280168, MONDO:0013634, OMIM 614213.
Intellectual disability, autosomal dominant 9 (NESCAVS). Also called: NESCAV SYNDROME; KIF1A-Related Neurodevelopmental Disorder. Identifiers: Orphanet 662367, MedGen C5393830, MONDO:0013656, OMIM 614255.

Allele frequency attached by ClinVar (database versions not stated): gnomAD exomes below 0.00001; gnomAD 0.00001; TOPMed 0.00001; ExAC 0.00002.
gnomAD v4.1: 7 of 1,613,322 alleles (0.00043%); highest among the groups gnomAD compares: South Asian, 0.0011%; no homozygotes.

Submission:

Labcorp Genetics (formerly Invitae), Labcorp
Classification: Uncertain significance for Hereditary spastic paraplegia 30; Neuropathy, hereditary sensory, type 2C; Intellectual disability, autosomal dominant 9. Last evaluated: 2024-04-27. Review status: criteria provided, single submitter. Criteria: Invitae Variant Classification Sherloc (09022015). Collection method: clinical testing. Allele origin: germline.
Comment: This sequence change replaces arginine, which is basic and polar, with histidine, which is basic and polar, at codon 153 of the KIF1A protein (p.Arg153His). This variant is present in population databases (rs750829308, gnomAD 0.002%). This variant has not been reported in the literature in individuals affected with KIF1A-related conditions. ClinVar contains an entry for this variant (Variation ID: 1935377). Advanced modeling of protein sequence and biophysical properties (such as structural, functional, and spatial information, amino acid conservation, physicochemical variation, residue mobility, and thermodynamic stability) performed at Invitae indicates that this missense variant is expected to disrupt KIF1A protein function with a positive predictive value of 95%. In summary, the available evidence is currently insufficient to determine the role of this variant in disease. Therefore, it has been classified as a Variant of Uncertain Significance.

NM_001244008.2(KIF1A):c.458G>A (p.Arg153His)

Gene: KIF1A (kinesin family member 1A; minus strand). Cytogenetic location: 2q37.3.
Variant type: single nucleotide variant.
Coding change: c.458G>A on transcript NM_001244008.2 (MANE Select); coding-DNA position 458, G replaced by A.
Protein change: p.Arg153His; replaces arginine 153 with histidine.
Molecular consequence: missense variant.
Genome position (GRCh38, 1-based): chr2:240,786,485, C>T on the plus strand (G>A on the coding strand, the complement: KIF1A is on the minus strand). VCF-style: chr2-240786485-C-T. GRCh37 (hg19) VCF-style: chr2-241725902-C-T.
Other names: c.458G>A, p.Arg153His (NM_001320705.2, NM_001330289.2, NM_001330290.2 and 21 more transcripts); short protein forms R153H.
Identifiers: ClinVar variation 1935377 (VCV001935377.5), dbSNP rs750829308, ClinGen allele CA2208758.
Genomic context (GRCh38, chr2:240,786,485, plus strand): 5'-AGTGGGTGCTCCCTCACGCGAAGGTTGCCCTTGTTCTTGGGGTTCAGGAGGTCACGGACG[C>T]GCTCACAGTAAATCTCCATGTAGCTGACCTGCAGGGCAGAGCCAGGCCATCAGGGGCCCC-3'
Protein context (NP_001230937.1, residues 143-163): EVSYMEIYCE[Arg153His]VRDLLNPKNK